The following is an entry in ClinVar:

NM_002461.3(MVD):c.1070C>T (p.Ala357Val)

Gene: MVD (mevalonate diphosphate decarboxylase; minus strand). Cytogenetic location: 16q24.2.
Variant type: single nucleotide variant.
Coding change: c.1070C>T on transcript NM_002461.3 (MANE Select); coding-DNA position 1070, C replaced by T.
Protein change: p.Ala357Val; replaces alanine 357 with valine.
Molecular consequence: missense variant.
Genome position (GRCh38, 1-based): chr16:88,653,352, G>A on the plus strand (C>T on the coding strand, the complement: MVD is on the minus strand). VCF-style: chr16-88653352-G-A. GRCh37 (hg19) VCF-style: chr16-88719760-G-A.
Other names: short protein forms A357V.
Identifiers: ClinVar variation 2498675 (VCV002498675.28), dbSNP rs151006109, ClinGen allele CA8228624.

ClinVar aggregate classification (germline): Likely benign (1 of 4 stars; one submission).

Allele frequency attached by ClinVar (database versions not stated): 1000 Genomes Project 0.00240; 1000 Genomes Project 30x 0.00250; gnomAD 0.00280; TOPMed 0.00325; ESP Exome Variant Server 0.00331; ExAC 0.00375; gnomAD exomes 0.00418.
gnomAD v4.1: 6,457 of 1,596,464 alleles (0.4%); highest among the groups gnomAD compares: Admixed American, 0.56%; 23 homozygotes.

Submission:

CeGaT Center for Human Genetics Tuebingen
Classification: Likely benign. Last evaluated: 2026-07-01. Review status: criteria provided, single submitter. Criteria: CeGaT Center For Human Genetics Tuebingen Variant Classification Criteria Version 2. Collection method: clinical testing. Allele origin: germline. Affected: yes. Observed: 3 variant alleles.
Comment: MVD: BP4, BS2